The following is an entry in ClinVar:

ClinVar aggregate classification (germline): Conflicting classifications of pathogenicity. Review status: criteria provided, conflicting classifications (1 of 4 stars). 8 submissions from 8 submitters: Uncertain significance (1); Likely benign (7). Last evaluated 2026-01-06.

Conditions:
Cardiovascular phenotype. Identifiers: MedGen CN230736.
Dilated cardiomyopathy 1G (CMD1G). Identifiers: Orphanet 154, MedGen C1858763, MONDO:0011400, OMIM 604145.
Autosomal recessive limb-girdle muscular dystrophy type 2J (LGMDR10). Also called: MUSCULAR DYSTROPHY, LIMB-GIRDLE, AUTOSOMAL RECESSIVE 10; Limb-girdle muscular dystrophy, type 2J. Identifiers: Orphanet 140922, MedGen C1837342, MONDO:0012127, OMIM 608807.
TTN-related disorder. Also called: TTN-related condition; TTN-related disease; TTN-related disorders.

Allele frequency attached by ClinVar (database versions not stated): ExAC 0.00001; gnomAD 0.00002 and 0.00003; gnomAD exomes 0.00002 and 0.00008; TOPMed 0.00002; 1000 Genomes Project 30x 0.00016.

Submissions (8):

Labcorp Genetics (formerly Invitae), Labcorp
Classification: Likely benign for Dilated cardiomyopathy 1G; Autosomal recessive limb-girdle muscular dystrophy type 2J. Last evaluated: 2026-01-06. Review status: criteria provided, single submitter. Criteria: Invitae Variant Classification Sherloc (09022015). Collection method: clinical testing. Allele origin: germline.

PreventionGenetics, part of Exact Sciences
Classification: Likely benign for TTN-related condition. Last evaluated: 2025-10-10. Review status: criteria provided, single submitter. Criteria: ACMG Guidelines, 2015. Collection method: clinical testing. Allele origin: germline.
Comment: This variant is classified as likely benign based on ACMG/AMP sequence variant interpretation guidelines (Richards et al. 2015 PMID: 25741868, with internal and published modifications).

Mayo Clinic Laboratories, Mayo Clinic
Classification: Likely benign. Last evaluated: 2025-07-18. Review status: criteria provided, single submitter. Criteria: ACMG Guidelines, 2015. Collection method: clinical testing. Allele origin: germline. Observed: 1 variant allele.
Comment: BP4, BP7

Revvity Omics, Revvity
Classification: Uncertain significance. Last evaluated: 2025-05-07. Review status: criteria provided, single submitter. Criteria: ACMG Guidelines, 2015. Collection method: clinical testing. Allele origin: germline.

Blueprint Genetics
Classification: Likely benign. Last evaluated: 2024-11-04. Review status: criteria provided, single submitter. Criteria: ACMG Guidelines, 2015. Collection method: clinical testing. Allele origin: germline.

CeGaT Center for Human Genetics Tuebingen
Classification: Likely benign. Last evaluated: 2023-03-01. Review status: criteria provided, single submitter. Criteria: CeGaT Center For Human Genetics Tuebingen Variant Classification Criteria Version 2. Collection method: clinical testing. Allele origin: germline. Affected: yes. Observed: 1 variant allele.
Comment: TTN: BP4, BP7

Ambry Genetics
Classification: Likely benign for Cardiovascular phenotype. Last evaluated: 2022-06-22. Review status: criteria provided, single submitter. Criteria: Ambry Variant Classification Scheme 2023. Collection method: clinical testing. Allele origin: germline.

GeneDx
Classification: Likely benign. Last evaluated: 2019-03-01. Review status: criteria provided, single submitter. Criteria: GeneDx Variant Classification Process June 2021. Collection method: clinical testing. Allele origin: germline. Affected: yes.

NM_001267550.2(TTN):c.102363G>A (p.Lys34121=)

Genes: TTN (titin; minus strand), TTN-AS1 (TTN antisense RNA 1; plus strand). Cytogenetic location: 2q31.2.
Variant type: single nucleotide variant.
Coding change: c.102363G>A on transcript NM_001267550.2 (MANE Select); coding-DNA position 102363, G replaced by A.
Protein change: p.Lys34121=; no amino-acid change (lysine 34121 retained).
Molecular consequence: synonymous variant.
Genome position (GRCh38, 1-based): chr2:178,534,252, C>T on the plus strand (G>A on the coding strand, the complement: TTN is on the minus strand). VCF-style: chr2-178534252-C-T. GRCh37 (hg19) VCF-style: chr2-179398979-C-T.
Other names: p.Lys31553=; c.97440G>A, p.Lys32480= (NM_001256850.1); c.75168G>A, p.Lys25056= (NM_003319.4); c.94659G>A, p.Lys31553= (NM_133378.4); c.75543G>A, p.Lys25181= (NM_133432.3); c.75744G>A, p.Lys25248= (NM_133437.4).
Identifiers: ClinVar variation 512438 (VCV000512438.53), dbSNP rs758224214, ClinGen allele CA1985764.